The following is an entry in ClinVar:

NM_001286.5(CLCN6):c.2267G>A (p.Arg756Gln)

Gene: CLCN6 (chloride voltage-gated channel 6; plus strand). Cytogenetic location: 1p36.22.
Variant type: single nucleotide variant.
Coding change: c.2267G>A on transcript NM_001286.5 (MANE Select); coding-DNA position 2267, G replaced by A.
Protein change: p.Arg756Gln; replaces arginine 756 with glutamine.
Molecular consequence: missense variant. On other transcripts: non-coding transcript variant (1).
Genome position (GRCh38, 1-based): chr1:11,837,471, G>A. VCF-style: chr1-11837471-G-A. GRCh37 (hg19) VCF-style: chr1-11897528-G-A.
Other names: c.2201G>A, p.Arg734Gln (NM_001256959.2); short protein forms R734Q, R756Q.
Identifiers: ClinVar variation 2421522 (VCV002421522.6), dbSNP rs367545491, ClinGen allele CA596763.

ClinVar aggregate classification (germline): Uncertain significance (1 of 4 stars; one submission).

Allele frequency attached by ClinVar (database versions not stated): gnomAD 0.00001; gnomAD exomes 0.00001; TOPMed 0.00001; ExAC 0.00002; ESP Exome Variant Server 0.00008.
gnomAD v4.1: 11 of 1,613,874 alleles (0.00068%); highest among the groups gnomAD compares: African/African-American, 0.0013%; no homozygotes.

Submission:

Labcorp Genetics (formerly Invitae), Labcorp
Classification: Uncertain significance. Last evaluated: 2022-11-24. Review status: criteria provided, single submitter. Criteria: Invitae Variant Classification Sherloc (09022015). Collection method: clinical testing. Allele origin: germline.
Comment: This sequence change replaces arginine, which is basic and polar, with glutamine, which is neutral and polar, at codon 756 of the CLCN6 protein (p.Arg756Gln). This variant is present in population databases (rs367545491, gnomAD 0.007%). This variant has not been reported in the literature in individuals affected with CLCN6-related conditions. Algorithms developed to predict the effect of missense changes on protein structure and function are either unavailable or do not agree on the potential impact of this missense change (SIFT: "Deleterious"; PolyPhen-2: "Possibly Damaging"; Align-GVGD: "Class C0"). In summary, the available evidence is currently insufficient to determine the role of this variant in disease. Therefore, it has been classified as a Variant of Uncertain Significance.